The following is an entry in ClinVar:

NM_000715.4(C4BPA):c.1629C>T (p.Pro543=)

Gene: C4BPA (complement component 4 binding protein alpha; plus strand). Cytogenetic location: 1q32.2.
Variant type: single nucleotide variant.
Coding change: c.1629C>T on transcript NM_000715.4 (MANE Select); coding-DNA position 1629, C replaced by T.
Protein change: p.Pro543=; no amino-acid change (proline 543 retained).
Molecular consequence: synonymous variant.
Genome position (GRCh38, 1-based): chr1:207,144,552, C>T. VCF-style: chr1-207144552-C-T. GRCh37 (hg19) VCF-style: chr1-207317897-C-T.
Identifiers: ClinVar variation 3067387 (VCV003067387.22), dbSNP rs544763652, ClinGen allele CA1367829.

ClinVar aggregate classification (germline): Likely benign. Review status: criteria provided, multiple submitters, no conflicts (2 of 4 stars). 2 submissions from 2 submitters: Likely benign (2). Last evaluated 2024-11-06.

Allele frequency attached by ClinVar (database versions not stated): gnomAD 0.00005; TOPMed 0.00005; gnomAD exomes 0.00009; ExAC 0.00020; 1000 Genomes Project 0.00060; 1000 Genomes Project 30x 0.00078.
gnomAD v4.1: 161 of 1,608,898 alleles (0.01%); highest among the groups gnomAD compares: South Asian, 0.13%; 1 homozygote.

Submissions (2):

Blueprint Genetics
Classification: Likely benign. Last evaluated: 2024-11-06. Review status: criteria provided, single submitter. Criteria: ACMG Guidelines, 2015. Collection method: clinical testing. Allele origin: germline.

CeGaT Center for Human Genetics Tuebingen
Classification: Likely benign. Last evaluated: 2024-03-01. Review status: criteria provided, single submitter. Criteria: CeGaT Center For Human Genetics Tuebingen Variant Classification Criteria Version 2. Collection method: clinical testing. Allele origin: germline. Affected: yes. Observed: 1 variant allele.
Comment: C4BPA: BP4, BP7